The following is an entry in ClinVar:

ClinVar aggregate classification (germline): Likely pathogenic (1 of 4 stars; one submission).

Conditions:
Inborn genetic diseases. Identifiers: MedGen C0950123, MeSH D030342.

Submission:

Ambry Genetics
Classification: Likely pathogenic for Inborn genetic diseases. Last evaluated: 2023-08-22. Review status: criteria provided, single submitter. Criteria: Ambry Variant Classification Scheme 2023. Collection method: clinical testing. Allele origin: germline.
Comment: The c.2167_2175delGCCCGAGTG (p.A723_V725del) alteration is located in coding exon 13 of the GRIA3 gene. This alteration consists of an in-frame deletion of 9 nucleotides between nucleotide positions c.2167 and c.2175, resulting in the deletion of 3 residues. This variant was not reported in population-based cohorts in the Genome Aggregation Database (gnomAD). This variant was observed in four affected males from the same family and was absent from three unaffected males from the same kinship (Ambry internal data). These amino acid positions are highly conserved in available vertebrate species. This alteration is predicted to be deleterious by in silico analysis (Choi, 2012). Based on the available evidence, this alteration is classified as likely pathogenic.

NM_007325.5(GRIA3):c.2167_2175del (p.Ala723_Val725del)

Gene: GRIA3 (glutamate ionotropic receptor AMPA type subunit 3; plus strand). Cytogenetic location: Xq25.
Variant type: Deletion.
Coding change: c.2167_2175del on transcript NM_007325.5 (MANE Select); coding-DNA positions 2167 to 2175, 9 bases deleted (GCCCGAGTG; older notation c.2167_2175delGCCCGAGTG).
Protein change: p.Ala723_Val725del.
Molecular consequence: inframe deletion.
Genome position (GRCh38, 1-based): chrX:123,464,955-123,464,963, GCCCGAGTG deleted; deleting any 9 consecutive bases within chrX:123,464,950-123,464,963 gives the same sequence; the c. name uses the placement nearest the transcript's 3' end. VCF-style (leftmost placement, unchanged base first): chrX-123464949-GGAGTGGCCC-G. GRCh37 (hg19) VCF-style: chrX-122598800-GGAGTGGCCC-G.
Other names: c.2167_2175del, p.Ala723_Val725del (NM_000828.5).
Identifiers: ClinVar variation 1786997 (VCV001786997.2), dbSNP rs2521331985, ClinGen allele CA2580100286.